The following is an entry in ClinVar:

ClinVar aggregate classification (germline): Uncertain significance (1 of 4 stars; one submission).

Conditions:
Hyperkalemic periodic paralysis. Also called: Familial hyperkalemic periodic paralysis; Gamstorp disease. Identifiers: Orphanet 682, MedGen C0238357, MONDO:0008224, OMIM 170500, HP:0007215.

Submission:

Labcorp Genetics (formerly Invitae), Labcorp
Classification: Uncertain significance for Hyperkalemic periodic paralysis. Last evaluated: 2022-03-18. Review status: criteria provided, single submitter. Criteria: Invitae Variant Classification Sherloc (09022015). Collection method: clinical testing. Allele origin: germline.
Comment: ClinVar contains an entry for this variant (Variation ID: 664709). This sequence change replaces methionine, which is neutral and non-polar, with threonine, which is neutral and polar, at codon 424 of the SCN4A protein (p.Met424Thr). This variant is not present in population databases (gnomAD no frequency). This variant has not been reported in the literature in individuals affected with SCN4A-related conditions. Algorithms developed to predict the effect of missense changes on protein structure and function are either unavailable or do not agree on the potential impact of this missense change (SIFT: "Deleterious"; PolyPhen-2: "Probably Damaging"; Align-GVGD: "Class C0"). In summary, the available evidence is currently insufficient to determine the role of this variant in disease. Therefore, it has been classified as a Variant of Uncertain Significance.

NM_000334.4(SCN4A):c.1271T>C (p.Met424Thr)

Gene: SCN4A (sodium voltage-gated channel alpha subunit 4; minus strand). Cytogenetic location: 17q23.3.
Variant type: single nucleotide variant.
Coding change: c.1271T>C on transcript NM_000334.4 (MANE Select); coding-DNA position 1271, T replaced by C.
Protein change: p.Met424Thr; replaces methionine 424 with threonine.
Molecular consequence: missense variant.
Genome position (GRCh38, 1-based): chr17:63,964,649, A>G on the plus strand (T>C on the coding strand, the complement: SCN4A is on the minus strand). VCF-style: chr17-63964649-A-G. GRCh37 (hg19) VCF-style: chr17-62042009-A-G.
Other names: short protein forms M424T.
Identifiers: ClinVar variation 664709 (VCV000664709.7), dbSNP rs1597982747, ClinGen allele CA400635151.